The following is an entry in ClinVar:

NM_003900.5(SQSTM1):c.739G>C (p.Ala247Pro)

Gene: SQSTM1 (sequestosome 1; plus strand). Cytogenetic location: 5q35.3.
Variant type: single nucleotide variant.
Coding change: c.739G>C on transcript NM_003900.5 (MANE Select); coding-DNA position 739, G replaced by C.
Protein change: p.Ala247Pro; replaces alanine 247 with proline.
Molecular consequence: missense variant.
Genome position (GRCh38, 1-based): chr5:179,825,211, G>C. VCF-style: chr5-179825211-G-C. GRCh37 (hg19) VCF-style: chr5-179252211-G-C.
Other names: c.487G>C, p.Ala163Pro (NM_001142298.2, NM_001142299.2); short protein forms A163P, A247P.
Identifiers: ClinVar variation 2635316 (VCV002635316.1), dbSNP rs1757944002, ClinGen allele CA362446680.

ClinVar aggregate classification (germline): Uncertain significance (1 of 4 stars; one submission).

Conditions:
SQSTM1-related disorder. Also called: SQSTM1-Related Disorders.

Allele frequency attached by ClinVar (database versions not stated): TOPMed below 0.00001.

Submission:

PreventionGenetics, part of Exact Sciences
Classification: Uncertain significance for SQSTM1-related condition. Last evaluated: 2022-11-01. Review status: criteria provided, single submitter. Criteria: ACMG Guidelines, 2015. Collection method: clinical testing. Allele origin: germline.
Comment: The SQSTM1 c.739G>C variant is predicted to result in the amino acid substitution p.Ala247Pro. To our knowledge, this variant has not been reported in the literature or in a large population database, indicating this variant is rare. At this time, the clinical significance of this variant is uncertain due to the absence of conclusive functional and genetic evidence.